The following is an entry in ClinVar:

NM_015072.5(TTLL5):c.3496C>G (p.Leu1166Val)

Gene: TTLL5 (tubulin tyrosine ligase like 5; plus strand). Cytogenetic location: 14q24.3.
Variant type: single nucleotide variant.
Coding change: c.3496C>G on transcript NM_015072.5 (MANE Select); coding-DNA position 3496, C replaced by G.
Protein change: p.Leu1166Val; replaces leucine 1166 with valine.
Molecular consequence: missense variant.
Genome position (GRCh38, 1-based): chr14:75,863,836, C>G. VCF-style: chr14-75863836-C-G. GRCh37 (hg19) VCF-style: chr14-76330179-C-G.
Other names: short protein forms L1166V.
Identifiers: ClinVar variation 1429379 (VCV001429379.8), dbSNP rs577379721, ClinGen allele CA390539897.

ClinVar aggregate classification (germline): Uncertain significance (1 of 4 stars; one submission).

Submission:

Labcorp Genetics (formerly Invitae), Labcorp
Classification: Uncertain significance. Last evaluated: 2022-03-01. Review status: criteria provided, single submitter. Criteria: Invitae Variant Classification Sherloc (09022015). Collection method: clinical testing. Allele origin: germline.
Comment: This sequence change replaces leucine, which is neutral and non-polar, with valine, which is neutral and non-polar, at codon 1166 of the TTLL5 protein (p.Leu1166Val). This variant is not present in population databases (gnomAD no frequency). This variant has not been reported in the literature in individuals affected with TTLL5-related conditions. Algorithms developed to predict the effect of missense changes on protein structure and function are either unavailable or do not agree on the potential impact of this missense change (SIFT: "Deleterious"; PolyPhen-2: "Probably Damaging"; Align-GVGD: "Class C0"). In summary, the available evidence is currently insufficient to determine the role of this variant in disease. Therefore, it has been classified as a Variant of Uncertain Significance.